The following is an entry in ClinVar:

ClinVar aggregate classification (germline): Uncertain significance (1 of 4 stars; one submission).

Conditions:
Inborn genetic diseases. Identifiers: MedGen C0950123, MeSH D030342.

Allele frequency attached by ClinVar (database versions not stated): gnomAD exomes below 0.00001.
gnomAD v4.1: 1 of 1,614,102 alleles (0.000062%); highest among the groups gnomAD compares: Non-Finnish European, 0.000085%; no homozygotes.

Submission:

Ambry Genetics
Classification: Uncertain significance for Inborn genetic diseases. Last evaluated: 2023-07-07. Review status: criteria provided, single submitter. Criteria: Ambry Variant Classification Scheme 2023. Collection method: clinical testing. Allele origin: germline.
Comment: The p.Q715R variant (also known as c.2144A>G), located in coding exon 22 of the ERCC2 gene, results from an A to G substitution at nucleotide position 2144. The glutamine at codon 715 is replaced by arginine, an amino acid with highly similar properties. This amino acid position is conserved. In addition, the in silico prediction for this alteration is inconclusive. Since supporting evidence is limited at this time, the clinical significance of this alteration remains unclear.

NM_000400.4(ERCC2):c.2144A>G (p.Gln715Arg)

Gene: ERCC2 (ERCC excision repair 2, TFIIH core complex helicase subunit; minus strand). Cytogenetic location: 19q13.32.
Variant type: single nucleotide variant.
Coding change: c.2144A>G on transcript NM_000400.4 (MANE Select); coding-DNA position 2144, A replaced by G.
Protein change: p.Gln715Arg; replaces glutamine 715 with arginine.
Molecular consequence: missense variant.
Genome position (GRCh38, 1-based): chr19:45,352,255, T>C on the plus strand (A>G on the coding strand, the complement: ERCC2 is on the minus strand). VCF-style: chr19-45352255-T-C. GRCh37 (hg19) VCF-style: chr19-45855513-T-C.
Other names: short protein forms Q715R.
Identifiers: ClinVar variation 2586778 (VCV002586778.2), dbSNP rs2513997658, ClinGen allele CA406362058.